The following is an entry in ClinVar:

NM_003482.4(KMT2D):c.5005C>T (p.Pro1669Ser)

Gene: KMT2D (lysine methyltransferase 2D; minus strand). Cytogenetic location: 12q13.12.
Variant type: single nucleotide variant.
Coding change: c.5005C>T on transcript NM_003482.4 (MANE Select); coding-DNA position 5005, C replaced by T.
Protein change: p.Pro1669Ser; replaces proline 1669 with serine.
Molecular consequence: missense variant.
Genome position (GRCh38, 1-based): chr12:49,044,481, G>A on the plus strand (C>T on the coding strand, the complement: KMT2D is on the minus strand). VCF-style: chr12-49044481-G-A. GRCh37 (hg19) VCF-style: chr12-49438264-G-A.
Other names: short protein forms P1669S.
Identifiers: ClinVar variation 3664772 (VCV003664772.2).
Genomic context (GRCh38, chr12:49,044,481, plus strand): 5'-GCTTGCGTTTTTTGCTTTCCTCGGTCTCCTCTTTGCCAGGCTCCACATCAGGGCTGACGG[G>A]GCCCTCCAGTTTAATTTCGCACTCCATGTGCTCCACACCACCTGCGTATGGTGACAGAAG-3'
Protein context (NP_003473.3, residues 1659-1679): HMECEIKLEG[Pro1669Ser]VSPDVEPGKE

ClinVar aggregate classification (germline): Uncertain significance (1 of 4 stars; one submission).

Conditions:
Kabuki syndrome. Also called: NIIKAWA-KUROKI SYNDROME; Kabuki make-up syndrome. Identifiers: Orphanet 2322, MedGen C0796004, MONDO:0016512.

Submission:

Labcorp Genetics (formerly Invitae), Labcorp
Classification: Uncertain significance for Kabuki syndrome. Last evaluated: 2025-08-03. Review status: criteria provided, single submitter. Criteria: Invitae Variant Classification Sherloc (09022015). Collection method: clinical testing. Allele origin: germline.
Comment: This sequence change replaces proline, which is neutral and non-polar, with serine, which is neutral and polar, at codon 1669 of the KMT2D protein (p.Pro1669Ser). This variant is not present in population databases (gnomAD no frequency). This variant has not been reported in the literature in individuals affected with KMT2D-related conditions. ClinVar contains an entry for this variant (Variation ID: 3664772). Invitae Evidence Modeling of protein sequence and biophysical properties (such as structural, functional, and spatial information, amino acid conservation, physicochemical variation, residue mobility, and thermodynamic stability) indicates that this missense variant is not expected to disrupt KMT2D protein function with a negative predictive value of 95%. In summary, the available evidence is currently insufficient to determine the role of this variant in disease. Therefore, it has been classified as a Variant of Uncertain Significance.